The following is an entry in ClinVar:

NM_004958.4(MTOR):c.1496A>T (p.Gln499Leu)

Gene: MTOR (mechanistic target of rapamycin kinase; minus strand). Cytogenetic location: 1p36.22.
Variant type: single nucleotide variant.
Coding change: c.1496A>T on transcript NM_004958.4 (MANE Select); coding-DNA position 1496, A replaced by T.
Protein change: p.Gln499Leu; replaces glutamine 499 with leucine.
Molecular consequence: missense variant.
Genome position (GRCh38, 1-based): chr1:11,241,598, T>A on the plus strand (A>T on the coding strand, the complement: MTOR is on the minus strand). VCF-style: chr1-11241598-T-A. GRCh37 (hg19) VCF-style: chr1-11301655-T-A.
Other names: c.1496A>T, p.Gln499Leu (NM_001386500.1); c.248A>T, p.Gln83Leu (NM_001386501.1); short protein forms Q499L, Q83L.
Identifiers: ClinVar variation 1474332 (VCV001474332.6), dbSNP rs1648041108, ClinGen allele CA338394875.

ClinVar aggregate classification (germline): Uncertain significance (1 of 4 stars; one submission).

Submission:

Labcorp Genetics (formerly Invitae), Labcorp
Classification: Uncertain significance. Last evaluated: 2021-10-25. Review status: criteria provided, single submitter. Criteria: Invitae Variant Classification Sherloc (09022015). Collection method: clinical testing. Allele origin: germline.
Comment: In summary, the available evidence is currently insufficient to determine the role of this variant in disease. Therefore, it has been classified as a Variant of Uncertain Significance. Advanced modeling of protein sequence and biophysical properties (such as structural, functional, and spatial information, amino acid conservation, physicochemical variation, residue mobility, and thermodynamic stability) performed at Invitae indicates that this missense variant is not expected to disrupt MTOR protein function. This variant has not been reported in the literature in individuals affected with MTOR-related conditions. This variant is not present in population databases (ExAC no frequency). This sequence change replaces glutamine with leucine at codon 499 of the MTOR protein (p.Gln499Leu). The glutamine residue is moderately conserved and there is a moderate physicochemical difference between glutamine and leucine.